The following is an entry in ClinVar:

ClinVar aggregate classification (germline): other (0 of 4 stars; one submission).

Conditions:
Familial colorectal cancer. Identifiers: MedGen CN280943, MONDO:0023113. Disease mechanism: loss of function.

Submission:

Systems Biology Platform Zhejiang California International NanoSystems Institute
Classification: other for Familial colorectal cancer. Review status: no assertion criteria provided. Collection method: not provided. Allele origin: unknown.
ClinVar note: Converted during submission from cancer to other.

NM_000038.6(APC):c.730-3290A>C

Gene: APC (APC regulator of WNT signaling pathway; plus strand). Cytogenetic location: 5q22.2.
Variant type: single nucleotide variant.
Coding change: c.730-3290A>C on transcript NM_000038.6 (MANE Select); 3290 bases into the intron before coding-DNA position 730, A replaced by C.
Molecular consequence: intron variant.
Genome position (GRCh38, 1-based): chr5:112,797,989, A>C. VCF-style: chr5-112797989-A-C. GRCh37 (hg19) VCF-style: chr5-112133686-A-C.
Other names: c.730-3290A>C (NM_001354895.2, NM_001127510.3, NM_001354896.2 and 1 more transcripts); c.760-3290A>C (NM_001354897.2, NM_001354902.2); c.676-3290A>C (NM_001127511.3); c.655-3290A>C (NM_001354898.2, NM_001354904.2); c.-306-3290A>C (NM_001354906.2); c.646-3290A>C (NM_001354899.2); c.553-3290A>C (NM_001354900.2, NM_001354901.2, NM_001354905.2).
Identifiers: ClinVar variation 82498 (VCV000082498.2), dbSNP rs77463678, ClinGen allele CA013570.
Genomic context (GRCh38, chr5:112,797,989, plus strand): 5'-AAGCATTGACGAAGATGTGGAGAAGCAGGATCCCTCATTGCTGGTGGGAATTTAAATAGT[A>C]CAGCCACCATTTTAAAACAGTTGAGTGATTCCTCAAAATATTAAACATATAGTTATGTGA-3'